The following is an entry in ClinVar:

ClinVar aggregate classification (germline): Uncertain significance (1 of 4 stars; one submission).

Conditions:
Zellweger spectrum disorders (ZS). Also called: Zellweger syndrome; Zellweger Spectrum Disorder; Zellweger Spectrum; Zellweger Spectrum Disorder (ZSD). Identifiers: Orphanet 912, MedGen C0043459, MONDO:0019609.

Submission:

Labcorp Genetics (formerly Invitae), Labcorp
Classification: Uncertain significance for Zellweger spectrum disorders. Last evaluated: 2021-08-19. Review status: criteria provided, single submitter. Criteria: Invitae Variant Classification Sherloc (09022015). Collection method: clinical testing. Allele origin: germline.
Comment: In summary, the available evidence is currently insufficient to determine the role of this variant in disease. Therefore, it has been classified as a Variant of Uncertain Significance. Experimental studies and prediction algorithms are not available or were not evaluated, and the functional significance of this variant is currently unknown. This variant has not been reported in the literature in individuals affected with PEX1-related conditions. This variant is not present in population databases (ExAC no frequency). This variant, c.1445_1446insTGA, is a complex sequence change that results in the insertion of 1 amino acid(s) in the PEX1 protein (p.Ile482_Ser483insGlu).

NM_000466.3(PEX1):c.1445_1446insTGA (p.Ile482_Ser483insGlu)

Gene: PEX1 (peroxisomal biogenesis factor 1; minus strand). Cytogenetic location: 7q21.2.
Variant type: Insertion.
Coding change: c.1445_1446insTGA on transcript NM_000466.3 (MANE Select); coding-DNA positions 1445 to 1446, TGA inserted.
Protein change: p.Ile482_Ser483insGlu.
Molecular consequence: inframe insertion.
Genome position: GRCh38 VCF-style: chr7-92511617-T-TTCA. GRCh37 (hg19) VCF-style: chr7-92140931-T-TTCA.
Other names: c.1445_1446insTGA, p.Ile482_Ser483insGlu (NM_001282677.2); c.821_822insTGA, p.Ile274_Ser275insGlu (NM_001282678.2).
Identifiers: ClinVar variation 1472918 (VCV001472918.6), dbSNP rs2116209401, ClinGen allele CA2573142422.
Genomic context (GRCh38, chr7:92,511,617, plus strand): 5'-GTCAAAATAACAAATGTACTCACCATCTTTAGTTTCCAGCTTAATAAATTCTTCCTCTGA[T>TTCA]ATTACCAAAGGAAGCATGGTGGTAGTAGACTGCTGTAGCCATGAATAAAATACAGTTTTT-3'